The following is an entry in ClinVar:

ClinVar aggregate classification (germline): Uncertain significance (1 of 4 stars; one submission).

Conditions:
Inborn genetic diseases. Identifiers: MedGen C0950123, MeSH D030342.

gnomAD v4.1: 1 of 1,613,376 alleles (0.000062%); highest among the groups gnomAD compares: African/African-American, 0.0013%; no homozygotes.

Submission:

Ambry Genetics
Classification: Uncertain significance for Inborn genetic diseases. Last evaluated: 2026-02-22. Review status: criteria provided, single submitter. Criteria: Ambry Variant Classification Scheme 2023. Collection method: clinical testing. Allele origin: germline.
Comment: The p.N899Y variant (also known as c.2695A>T), located in coding exon 1 of the SAMD9 gene, results from an A to T substitution at nucleotide position 2695. The asparagine at codon 899 is replaced by tyrosine, an amino acid with dissimilar properties. This amino acid position is conserved. In addition, this alteration is predicted to be tolerated by in silico analysis. Based on the available evidence, the clinical significance of this variant remains unclear.

NM_017654.4(SAMD9):c.2695A>T (p.Asn899Tyr)

Gene: SAMD9 (sterile alpha motif domain containing 9; minus strand). Cytogenetic location: 7q21.2.
Variant type: single nucleotide variant.
Coding change: c.2695A>T on transcript NM_017654.4 (MANE Select); coding-DNA position 2695, A replaced by T.
Protein change: p.Asn899Tyr; replaces asparagine 899 with tyrosine.
Molecular consequence: missense variant.
Genome position (GRCh38, 1-based): chr7:93,103,403, T>A on the plus strand (A>T on the coding strand, the complement: SAMD9 is on the minus strand). VCF-style: chr7-93103403-T-A. GRCh37 (hg19) VCF-style: chr7-92732716-T-A.
Other names: c.2695A>T, p.Asn899Tyr (NM_001193307.2); short protein forms N899Y.
Identifiers: ClinVar variation 4824716 (VCV004824716.1).